The following is an entry in ClinVar:

NM_024580.6(EFL1):c.1972G>A (p.Val658Ile)

Gene: EFL1 (elongation factor like GTPase 1; minus strand). Cytogenetic location: 15q25.2.
Variant type: single nucleotide variant.
Coding change: c.1972G>A on transcript NM_024580.6 (MANE Select); coding-DNA position 1972, G replaced by A.
Protein change: p.Val658Ile; replaces valine 658 with isoleucine.
Molecular consequence: missense variant. On other transcripts: non-coding transcript variant (1).
Genome position (GRCh38, 1-based): chr15:82,157,771, C>T on the plus strand (G>A on the coding strand, the complement: EFL1 is on the minus strand). VCF-style: chr15-82157771-C-T. GRCh37 (hg19) VCF-style: chr15-82450112-C-T.
Other names: c.1819G>A, p.Val607Ile (NM_001040610.3); c.1183G>A, p.Val395Ile (NM_001322844.2); c.1972G>A, p.Val658Ile (NM_001322845.2); short protein forms V658I, V607I, V395I.
Identifiers: ClinVar variation 1936532 (VCV001936532.3), dbSNP rs371498555, ClinGen allele CA7697833.

ClinVar aggregate classification (germline): Uncertain significance (1 of 4 stars; one submission).

Allele frequency attached by ClinVar (database versions not stated): gnomAD exomes 0.00003; ExAC 0.00005; gnomAD 0.00005; TOPMed 0.00006; ESP Exome Variant Server 0.00008.
gnomAD v4.1: 44 of 1,614,014 alleles (0.0027%); highest among the groups gnomAD compares: East Asian, 0.018%; no homozygotes.

Submission:

Labcorp Genetics (formerly Invitae), Labcorp
Classification: Uncertain significance. Last evaluated: 2024-10-17. Review status: criteria provided, single submitter. Criteria: Invitae Variant Classification Sherloc (09022015). Collection method: clinical testing. Allele origin: germline.
Comment: This sequence change replaces valine, which is neutral and non-polar, with isoleucine, which is neutral and non-polar, at codon 658 of the EFL1 protein (p.Val658Ile). This variant is present in population databases (rs371498555, gnomAD 0.005%). This variant has not been reported in the literature in individuals affected with EFL1-related conditions. ClinVar contains an entry for this variant (Variation ID: 1936532). Invitae Evidence Modeling of protein sequence and biophysical properties (such as structural, functional, and spatial information, amino acid conservation, physicochemical variation, residue mobility, and thermodynamic stability) indicates that this missense variant is not expected to disrupt EFL1 protein function with a negative predictive value of 80%. In summary, the available evidence is currently insufficient to determine the role of this variant in disease. Therefore, it has been classified as a Variant of Uncertain Significance.